The following is an entry in ClinVar:

ClinVar aggregate classification (germline): Likely pathogenic. Review status: criteria provided, single submitter (1 of 4 stars). 2 submissions from 2 submitters: Likely pathogenic (1). 1 of the submissions does not count toward it. Last evaluated 2016-12-29.

Conditions:
Neurodevelopmental disorder with or without anomalies of the brain, eye, or heart (NEDBEH). Identifiers: Orphanet 494344, MedGen C5567477, MONDO:0014857, OMIM 616975.

Submissions (2):

GeneDx
Classification: Likely pathogenic. Last evaluated: 2016-12-29. Review status: criteria provided, single submitter. Criteria: GeneDx Variant Classification (06012015). Collection method: clinical testing. Allele origin: germline. Affected: yes.
Comment: The P1262R variant in the RERE gene has been reported previously in an individual with microcephaly, facial dysmorphism, and multiple congenital anomalies (Fregeau et al., 2016); this variant has not been reported otherwise in the literature, to our knowledge. The P1262R variant was not observed in approximately 6500 individuals of European and African American ancestry in the NHLBI Exome Sequencing Project, indicating it is not a common benign variant in these populations. The P1262R variant is a non-conservative amino acid substitution, which is likely to impact secondary protein structure as these residues differ in polarity, charge, size and/or other properties. In addition, this substitution occurs at a position that is conserved across species, and in silico analysis predicts this variant is probably damaging to the protein structure/function. We interpret P1262R as a likely pathogenic variant.

OMIM
Classification: Pathogenic for NEURODEVELOPMENTAL DISORDER WITH ANOMALIES OF THE BRAIN, EYE, AND HEART. Last evaluated: 2018-01-08. Review status: no assertion criteria provided. Collection method: literature only. Allele origin: germline. Not counted in ClinVar's aggregate classification.

Literature cited by the submitters: PubMed 27087320 (cited by OMIM).

NM_001042681.2(RERE):c.3785C>G (p.Pro1262Arg)

Gene: RERE (arginine-glutamic acid dipeptide repeats; minus strand). Cytogenetic location: 1p36.23.
Variant type: single nucleotide variant.
Coding change: c.3785C>G on transcript NM_001042681.2 (MANE Select); coding-DNA position 3785, C replaced by G.
Protein change: p.Pro1262Arg; replaces proline 1262 with arginine.
Molecular consequence: missense variant.
Genome position (GRCh38, 1-based): chr1:8,358,750, G>C on the plus strand (C>G on the coding strand, the complement: RERE is on the minus strand). VCF-style: chr1-8358750-G-C. GRCh37 (hg19) VCF-style: chr1-8418810-G-C.
Other names: c.2123C>G, p.Pro708Arg (NM_001042682.2); c.3785C>G, p.Pro1262Arg (NM_012102.4); short protein forms P1262R, P708R.
Identifiers: ClinVar variation 236217 (VCV000236217.3), dbSNP rs878853270, ClinGen allele CA10581568.